The following is an entry in ClinVar:

NM_000548.5(TSC2):c.3094C>G (p.Arg1032Gly)

Gene: TSC2 (TSC complex subunit 2; plus strand). Cytogenetic location: 16p13.3.
Variant type: single nucleotide variant.
Coding change: c.3094C>G on transcript NM_000548.5 (MANE Select); coding-DNA position 3094, C replaced by G.
Protein change: p.Arg1032Gly; replaces arginine 1032 with glycine.
Molecular consequence: missense variant.
Genome position (GRCh38, 1-based): chr16:2,079,159, C>G. VCF-style: chr16-2079159-C-G. GRCh37 (hg19) VCF-style: chr16-2129160-C-G.
Other names: c.2962C>G, p.Arg988Gly (NM_001077183.3, NM_001370404.1); c.3094C>G, p.Arg1032Gly (NM_001114382.3); c.2854C>G, p.Arg952Gly (NM_001318827.2); c.2818C>G, p.Arg940Gly (NM_001318829.2); c.2362C>G, p.Arg788Gly (NM_001318831.2); c.2995C>G, p.Arg999Gly (NM_001318832.2); c.2965C>G, p.Arg989Gly (NM_001363528.2, NM_001370405.1, NM_021055.3); short protein forms R788G, R952G, R988G, R989G, R1032G, R940G, R999G.
Identifiers: ClinVar variation 822853 (VCV000822853.8), dbSNP rs45465195, ClinGen allele CA394284692.

ClinVar aggregate classification (germline): Uncertain significance. Review status: criteria provided, multiple submitters, no conflicts (2 of 4 stars). 2 submissions from 2 submitters: Uncertain significance (2). Last evaluated 2025-08-30.

Conditions:
Tuberous sclerosis 2 (TSC2). Identifiers: Orphanet 805, MedGen C1860707, MONDO:0013199, OMIM 613254.
Hereditary cancer-predisposing syndrome. Also called: Hereditary Cancer Syndrome; Neoplastic Syndromes, Hereditary; Hereditary neoplastic syndrome; Tumor predisposition. Identifiers: Orphanet 140162, MedGen C0027672, MeSH D009386, MONDO:0015356.

Submissions (2):

Labcorp Genetics (formerly Invitae), Labcorp
Classification: Uncertain significance for Tuberous sclerosis 2. Last evaluated: 2025-08-30. Review status: criteria provided, single submitter. Criteria: Invitae Variant Classification Sherloc (09022015). Collection method: clinical testing. Allele origin: germline.
Comment: This sequence change replaces arginine, which is basic and polar, with glycine, which is neutral and non-polar, at codon 1032 of the TSC2 protein (p.Arg1032Gly). This variant is not present in population databases (gnomAD no frequency). This variant has not been reported in the literature in individuals affected with TSC2-related conditions. ClinVar contains an entry for this variant (Variation ID: 822853). Invitae Evidence Modeling of protein sequence and biophysical properties (such as structural, functional, and spatial information, amino acid conservation, physicochemical variation, residue mobility, and thermodynamic stability) has been performed for this missense variant. However, the output from this modeling did not meet the statistical confidence thresholds required to predict the impact of this variant on TSC2 protein function. This variant disrupts the p.Arg1032 amino acid residue in TSC2. Other variant(s) that disrupt this residue have been determined to be pathogenic (PMID: 21309039, 21520333). This suggests that this residue is clinically significant, and that variants that disrupt this residue are likely to be disease-causing. In summary, the available evidence is currently insufficient to determine the role of this variant in disease. Therefore, it has been classified as a Variant of Uncertain Significance.

Ambry Genetics
Classification: Uncertain significance for Hereditary cancer-predisposing syndrome. Last evaluated: 2025-03-27. Review status: criteria provided, single submitter. Criteria: Ambry Variant Classification Scheme 2023. Collection method: clinical testing. Allele origin: germline.
Comment: The p.R1032G variant (also known as c.3094C>G), located in coding exon 26 of the TSC2 gene, results from a C to G substitution at nucleotide position 3094. The arginine at codon 1032 is replaced by glycine, an amino acid with dissimilar properties. This amino acid position is highly conserved in available vertebrate species. In addition, this alteration is predicted to be deleterious by in silico analysis. Based on the available evidence, the clinical significance of this variant remains unclear.

Literature cited by the submitters: PubMed 21309039 (cited by Labcorp Genetics (formerly Invitae), Labcorp); PubMed 21520333 (cited by Labcorp Genetics (formerly Invitae), Labcorp).